The following is an entry in ClinVar:

NM_004260.4(RECQL4):c.3486_3502dup (p.Gly1168fs)

Gene: RECQL4 (RecQ like helicase 4; minus strand). Cytogenetic location: 8q24.3.
Variant type: Duplication.
Coding change: c.3486_3502dup on transcript NM_004260.4 (MANE Select); coding-DNA positions 3486 to 3502, 17 bases duplicated (CATCTTCCACGGCATCG).
Protein change: p.Gly1168fs; shifts the reading frame from glycine 1168.
Molecular consequence: frameshift variant.
Genome position (GRCh38, 1-based): chr8:144,511,681-144,511,697, CGATGCCGTGGAAGATG duplicated on the plus strand (CATCTTCCACGGCATCG on the coding strand, the reverse complement: RECQL4 is on the minus strand); duplicating any 17 consecutive bases within chr8:144,511,681-144,511,699 gives the same sequence; the c. name uses the placement nearest the transcript's 3' end. VCF-style (leftmost placement, unchanged base first): chr8-144511680-C-CCGATGCCGTGGAAGATG. GRCh37 (hg19) VCF-style: chr8-145737063-C-CCGATGCCGTGGAAGATG.
Other names: short protein forms G1168fs.
Identifiers: ClinVar variation 1061255 (VCV001061255.5), dbSNP rs751332709, ClinGen allele CA4947711.

ClinVar aggregate classification (germline): Uncertain significance (1 of 4 stars; one submission).

Conditions:
Baller-Gerold syndrome (BGS). Also called: CRANIOSYNOSTOSIS WITH RADIAL DEFECTS. Identifiers: Orphanet 1225, MedGen C0265308, MONDO:0009039, OMIM 218600.

Submission:

Labcorp Genetics (formerly Invitae), Labcorp
Classification: Uncertain significance for Baller-Gerold syndrome. Last evaluated: 2022-08-06. Review status: criteria provided, single submitter. Criteria: Invitae Variant Classification Sherloc (09022015). Collection method: clinical testing. Allele origin: germline.
Comment: This variant is present in population databases (rs751332709, gnomAD 0.002%). This sequence change creates a premature translational stop signal (p.Gly1168Alafs*29) in the RECQL4 gene. While this is not anticipated to result in nonsense mediated decay, it is expected to disrupt the last 41 amino acid(s) of the RECQL4 protein. This variant has not been reported in the literature in individuals affected with RECQL4-related conditions. ClinVar contains an entry for this variant (Variation ID: 1061255). Algorithms developed to predict the effect of sequence changes on RNA splicing suggest that this variant may disrupt the consensus splice site. In summary, the available evidence is currently insufficient to determine the role of this variant in disease. Therefore, it has been classified as a Variant of Uncertain Significance.